The following is an entry in ClinVar:

NM_001128636.4(ELFN1):c.996C>T (p.Thr332=)

Gene: ELFN1 (extracellular leucine rich repeat and fibronectin type III domain containing 1; plus strand). Cytogenetic location: 7p22.3.
Variant type: single nucleotide variant.
Coding change: c.996C>T on transcript NM_001128636.4 (MANE Select); coding-DNA position 996, C replaced by T.
Protein change: p.Thr332=; no amino-acid change (threonine 332 retained).
Molecular consequence: synonymous variant.
Genome position (GRCh38, 1-based): chr7:1,745,592, C>T. VCF-style: chr7-1745592-C-T. GRCh37 (hg19) VCF-style: chr7-1785228-C-T.
Other names: c.996C>T, p.Thr332= (NM_001394187.1, NM_001394188.1).
Identifiers: ClinVar variation 5038752 (VCV005038752.1).
Genomic context (GRCh38, chr7:1,745,592, plus strand): 5'-GGCCGAGGCCCGCCCCCTCATCAAGGTCAAGCAGCTCACTCAGAACTCGGCCACCATCAC[C>T]GTCCAGCTGCCCAGCCCGTTCCACCGGATGTACACCCTGGAGCATTTCAACAACAGCAAG-3'
Protein context (NP_001122108.1, residues 322-342): KQLTQNSATI[Thr332=]VQLPSPFHRM

ClinVar aggregate classification (germline): Likely benign (1 of 4 stars; one submission).

gnomAD v4.1: 474 of 1,550,896 alleles (0.031%); highest among the groups gnomAD compares: African/African-American, 0.51%; 2 homozygotes.

Submission:

CeGaT Center for Human Genetics Tuebingen
Classification: Likely benign. Last evaluated: 2026-08-01. Review status: criteria provided, single submitter. Criteria: CeGaT Center For Human Genetics Tuebingen Variant Classification Criteria Version 2. Collection method: clinical testing. Allele origin: germline. Affected: yes. Observed: 1 variant allele.
Comment: ELFN1: BP4, BP7